The following is an entry in ClinVar:

ClinVar aggregate classification (germline): Uncertain significance (1 of 4 stars; one submission).

Conditions:
Hereditary cancer-predisposing syndrome. Also called: Neoplastic Syndromes, Hereditary; Tumor predisposition; Hereditary Cancer Syndrome; Hereditary neoplastic syndrome. Identifiers: Orphanet 140162, MedGen C0027672, MeSH D009386, MONDO:0015356.

Submission:

Ambry Genetics
Classification: Uncertain significance for Hereditary cancer-predisposing syndrome. Last evaluated: 2026-02-23. Review status: criteria provided, single submitter. Criteria: Ambry Variant Classification Scheme 2023. Collection method: clinical testing. Allele origin: germline.
Comment: The p.S294Y variant (also known as c.881C>A), located in coding exon 8 of the APC gene, results from a C to A substitution at nucleotide position 881. The serine at codon 294 is replaced by tyrosine, an amino acid with dissimilar properties. This amino acid position is conserved. In addition, in silico predictors for this gene do not accurately predict pathogenicity. Based on the available evidence, the clinical significance of this variant remains unclear.

NM_000038.6(APC):c.881C>A (p.Ser294Tyr)

Gene: APC (APC regulator of Wnt signaling pathway; plus strand). Cytogenetic location: 5q22.2.
Variant type: single nucleotide variant.
Coding change: c.881C>A on transcript NM_000038.6 (MANE Select); coding-DNA position 881, C replaced by A.
Protein change: p.Ser294Tyr; replaces serine 294 with tyrosine.
Molecular consequence: missense variant. On other transcripts: non-coding transcript variant (2).
Genome position (GRCh38, 1-based): chr5:112,815,541, C>A. VCF-style: chr5-112815541-C-A. GRCh37 (hg19) VCF-style: chr5-112151238-C-A.
Other names: c.881C>A, p.Ser294Tyr (NM_001127510.3, NM_001354895.2, NM_001354896.2 and 12 more transcripts); c.827C>A, p.Ser276Tyr (NM_001127511.3); c.911C>A, p.Ser304Tyr (NM_001354897.2, NM_001354902.2, NM_001407446.1); c.806C>A, p.Ser269Tyr (NM_001354898.2, NM_001354904.2, NM_001407451.1); c.797C>A, p.Ser266Tyr (NM_001354899.2, NM_001407467.1, NM_001407469.1 and 1 more transcripts); c.704C>A, p.Ser235Tyr (NM_001354900.2, NM_001354901.2, NM_001354905.2 and 1 more transcripts); c.32C>A, p.Ser11Tyr (NM_001354906.2, NM_001407470.1, NM_001407471.1 and 1 more transcripts); short protein forms S11Y, S235Y, S266Y, S276Y, S304Y, S269Y, S294Y.
Identifiers: ClinVar variation 4837923 (VCV004837923.1).
Genomic context (GRCh38, chr5:112,815,541, plus strand): 5'-TGCTTAATTTTTAGGGTTCAACTACACGAATGGACCATGAAACAGCCAGTGTTTTGAGTT[C>A]TAGTAGCACACACTCTGCACCTCGAAGGCTGACAAGTCATCTGGGAACCAAGGTAACAGA-3'
Protein context (NP_000029.2, residues 284-304): MDHETASVLS[Ser294Tyr]SSTHSAPRRL